The following is an entry in ClinVar:

NM_000541.5(SAG):c.926A>G (p.Asn309Ser)

Gene: SAG (S-antigen visual arrestin; plus strand). Cytogenetic location: 2q37.1.
Variant type: single nucleotide variant.
Coding change: c.926A>G on transcript NM_000541.5 (MANE Select); coding-DNA position 926, A replaced by G.
Protein change: p.Asn309Ser; replaces asparagine 309 with serine.
Molecular consequence: missense variant.
Genome position (GRCh38, 1-based): chr2:233,335,081, A>G. VCF-style: chr2-233335081-A-G. GRCh37 (hg19) VCF-style: chr2-234243727-A-G.
Other names: short protein forms N309S.
Identifiers: ClinVar variation 1381760 (VCV001381760.8), dbSNP rs2125344188, ClinGen allele CA351048549.

ClinVar aggregate classification (germline): Uncertain significance (1 of 4 stars; one submission).

Submission:

Labcorp Genetics (formerly Invitae), Labcorp
Classification: Uncertain significance. Last evaluated: 2022-03-03. Review status: criteria provided, single submitter. Criteria: Invitae Variant Classification Sherloc (09022015). Collection method: clinical testing. Allele origin: germline.
Comment: This sequence change replaces asparagine, which is neutral and polar, with serine, which is neutral and polar, at codon 309 of the SAG protein (p.Asn309Ser). In summary, the available evidence is currently insufficient to determine the role of this variant in disease. Therefore, it has been classified as a Variant of Uncertain Significance. Algorithms developed to predict the effect of missense changes on protein structure and function are either unavailable or do not agree on the potential impact of this missense change (SIFT: "Deleterious"; PolyPhen-2: "Possibly Damaging"; Align-GVGD: "Class C0"). This variant has not been reported in the literature in individuals affected with SAG-related conditions. This variant is not present in population databases (gnomAD no frequency).